The following is an entry in ClinVar:

ClinVar aggregate classification (germline): Uncertain significance (1 of 4 stars; one submission).

Submission:

Labcorp Genetics (formerly Invitae), Labcorp
Classification: Uncertain significance. Last evaluated: 2024-02-24. Review status: criteria provided, single submitter. Criteria: Invitae Variant Classification Sherloc (09022015). Collection method: clinical testing. Allele origin: germline.
Comment: This sequence change replaces lysine, which is basic and polar, with threonine, which is neutral and polar, at codon 585 of the ZBTB20 protein (p.Lys585Thr). This variant is not present in population databases (gnomAD no frequency). This variant has not been reported in the literature in individuals affected with ZBTB20-related conditions. Advanced modeling of protein sequence and biophysical properties (such as structural, functional, and spatial information, amino acid conservation, physicochemical variation, residue mobility, and thermodynamic stability) performed at Invitae indicates that this missense variant is expected to disrupt ZBTB20 protein function with a positive predictive value of 95%. In summary, the available evidence is currently insufficient to determine the role of this variant in disease. Therefore, it has been classified as a Variant of Uncertain Significance.

NM_001348800.3(ZBTB20):c.1754A>C (p.Lys585Thr)

Gene: ZBTB20 (zinc finger and BTB domain containing 20; minus strand). Cytogenetic location: 3q13.31.
Variant type: single nucleotide variant.
Coding change: c.1754A>C on transcript NM_001348800.3 (MANE Select); coding-DNA position 1754, A replaced by C.
Protein change: p.Lys585Thr; replaces lysine 585 with threonine.
Molecular consequence: missense variant.
Genome position (GRCh38, 1-based): chr3:114,350,324, T>G on the plus strand (A>C on the coding strand, the complement: ZBTB20 is on the minus strand). VCF-style: chr3-114350324-T-G. GRCh37 (hg19) VCF-style: chr3-114069171-T-G.
Other names: c.1754A>C, p.Lys585Thr (NM_001164342.2, NM_001348803.3, NM_001393393.1 and 1 more transcripts); c.1535A>C, p.Lys512Thr (NM_001164343.2, NM_001164344.4, NM_001164345.4 and 9 more transcripts); short protein forms K512T, K585T.
Identifiers: ClinVar variation 3633365 (VCV003633365.2).